The following is an entry in ClinVar:

NM_007294.4(BRCA1):c.5496_5506delinsA (p.Val1833fs)

Gene: BRCA1 (BRCA1 DNA repair associated; minus strand). Cytogenetic location: 17q21.31.
Variant type: Indel.
Coding change: c.5496_5506delinsA on transcript NM_007294.4 (MANE Select); coding-DNA positions 5496 to 5506, GGTGACCCGAG replaced by A.
Protein change: p.Val1833fs; shifts the reading frame from valine 1833.
Molecular consequence: frameshift variant. On other transcripts: 3 prime UTR variant (1), non-coding transcript variant (1).
Genome position (GRCh38, 1-based): chr17:43,045,764-43,045,774, CTCGGGTCACC replaced by T on the plus strand (GGTGACCCGAG replaced by A on the coding strand, the reverse complement: BRCA1 is on the minus strand). VCF-style: chr17-43045764-CTCGGGTCACC-T. GRCh37 (hg19) VCF-style: chr17-41197781-CTCGGGTCACC-T.
Other names: 5615del11insA; c.5496_5506del11insA (NM_007294.3); c.5283_5293delGGTGACCCGAGinsA, p.Val1762Serfs (NM_001407571.1, NM_001407894.1, NM_001407895.1 and 12 more transcripts); c.5562_5572delGGTGACCCGAGinsA, p.Val1855Serfs (NM_001407581.1, NM_001407582.1); c.5559_5569delGGTGACCCGAGinsA, p.Val1854Serfs (NM_001407583.1, NM_001407585.1, NM_001407587.1); c.5556_5566delGGTGACCCGAGinsA, p.Val1853Serfs (NM_001407590.1, NM_001407591.1); c.5496_5506delGGTGACCCGAGinsA, p.Val1833Serfs (NM_001407593.1, NM_001407594.1, NM_001407596.1 and 5 more transcripts); c.5493_5503delGGTGACCCGAGinsA, p.Val1832Serfs (NM_001407610.1, NM_001407611.1, NM_001407612.1 and 14 more transcripts); and 79 more; short protein forms V1786fs, V1833fs, V1854fs, V729fs.
Identifiers: ClinVar variation 55597 (VCV000055597.14), dbSNP rs273902775, ClinGen allele CA003665.

ClinVar aggregate classification (germline): Pathogenic. Review status: reviewed by expert panel (3 of 4 stars). 8 submissions from 8 submitters: Pathogenic (1). 7 of the submissions do not count toward it. Last evaluated 2017-12-15.

Conditions:
Hereditary cancer-predisposing syndrome. Also called: Hereditary Cancer Syndrome; Hereditary neoplastic syndrome; Neoplastic Syndromes, Hereditary; Tumor predisposition. Identifiers: Orphanet 140162, MedGen C0027672, MeSH D009386, MONDO:0015356.
Hereditary breast ovarian cancer syndrome. Also called: BRCA1- and BRCA2-Associated Hereditary Breast and Ovarian Cancer; Hereditary breast and ovarian cancer syndrome; Hereditary breast and ovarian cancer syndrome (HBOC); Breast and ovarian cancer; Hereditary breast and/or ovarian cancer syndrome; Hereditary breast and ovarian cancer. Identifiers: Orphanet 145, MedGen C0677776, MeSH D061325, MONDO:0003582. Disease mechanism: loss of function.
Breast-ovarian cancer, familial, susceptibility to, 1 (BROVCA1). Also called: BRCA1 Hereditary Breast and Ovarian Cancer; OVARIAN CANCER, SUSCEPTIBILITY TO. Identifiers: Orphanet 145, MedGen C2676676, MONDO:0011450, OMIM 604370. Disease mechanism: loss of function.

Submissions (8):

Evidence-based Network for the Interpretation of Germline Mutant Alleles (ENIGMA)
Classification: Pathogenic for Breast-ovarian cancer, familial, susceptibility to, 1. Last evaluated: 2017-12-15. Review status: reviewed by expert panel. Criteria: ENIGMA BRCA1/2 Classification Criteria (2017-06-29). Collection method: curation. Allele origin: germline. Study: ENIGMA.
Comment: Variant allele predicted to encode a truncated non-functional protein.

Ambry Genetics
Classification: Pathogenic for Hereditary cancer-predisposing syndrome. Last evaluated: 2025-12-04. Review status: criteria provided, single submitter. Criteria: Ambry Variant Classification Scheme 2023. Collection method: clinical testing. Allele origin: germline. Not counted in ClinVar's aggregate classification.
Comment: The c.5496_5506del11insA pathogenic mutation, located in coding exon 22 of the BRCA1 gene, results from the deletion of 11 nucleotides and insertion of one nucleotide causing a translational frameshift with a predicted alternate stop codon (p.V1833Sfs*7). This alteration occurs at the 3' terminus of BRCA1 gene, is not expected to trigger nonsense-mediated mRNA decay, and only impacts the last 31 amino acids of the protein. However, premature stop codons are typically deleterious in nature and the impacted region is critical for protein function (Ambry internal data). This variant has been reported in numerous HBOC individuals, notably among the Korean population (Kim SI et al. Cancer Res Treat, 2022 Jul; Ficarazzi F et al. Breast, 2021 Aug;58:121-129; Kim SI et al. Cancer Res Treat, 2020 Oct;52:1229-1241; Yi EJ et al. Ann Thorac Surg, 2013 Aug;96:677-80; Kang E et al. J Breast Cancer, 2013 Sep;16:245-53; Kim H et al. Breast Cancer Res Treat, 2012 Aug;134:1315-26; Ahn SH et al. Cancer Lett, 2007 Jan;245:90-5). Based on the supporting evidence, this alteration is interpreted as a disease-causing mutation.

Quest Diagnostics Nichols Institute San Juan Capistrano
Classification: Pathogenic. Last evaluated: 2024-09-20. Review status: criteria provided, single submitter. Criteria: Quest Diagnostics criteria. Collection method: clinical testing. Allele origin: unknown. Not counted in ClinVar's aggregate classification.
Comment: The BRCA1 c.5496_5506delinsA (p.Val1833Serfs*7) variant (also known as 5615del11insA) alters the translational reading frame of the BRCA1 mRNA and causes the premature termination of BRCA1 protein synthesis. While this variant occurs in the last exon of the BRCA1 gene and is not expected to trigger nonsense-mediated decay of the affected transcript, it disrupts the functionally important BRCT protein domain (PMID: 25701377 (2015)). In the published literature, this variant has been reported in numerous individuals with breast cancer (PMIDs: 30350268 (2019), 28111427 (2017), 16455195 (2007)) and ovarian cancer (PMIDs: 30309222 (2019), 30322717 (2018), 23910109 (2013)). This variant has also been reported as a double heterozygote with a BRCA2 pathogenic variant in an individual with early-onset breast cancer (PMID: 32455662 (2020)). This variant has not been reported in large, multi-ethnic general populations (Genome Aggregation Database). Based on the available information, this variant is classified as pathogenic.

Labcorp Genetics (formerly Invitae), Labcorp
Classification: Pathogenic for Hereditary breast ovarian cancer syndrome. Last evaluated: 2024-05-22. Review status: criteria provided, single submitter. Criteria: Invitae Variant Classification Sherloc (09022015). Collection method: clinical testing. Allele origin: germline. Not counted in ClinVar's aggregate classification.
Comment: This sequence change creates a premature translational stop signal (p.Val1833Serfs*7) in the BRCA1 gene. While this is not anticipated to result in nonsense mediated decay, it is expected to disrupt the last 31 amino acid(s) of the BRCA1 protein. This variant is not present in population databases (gnomAD no frequency). This premature translational stop signal has been observed in individual(s) with breast and/or ovarian cancer (PMID: 22217648, 22798144). ClinVar contains an entry for this variant (Variation ID: 55597). Algorithms developed to predict the effect of sequence changes on RNA splicing suggest that this variant may disrupt the consensus splice site. This variant disrupts the C-terminal end of the BRCA1 protein partially including the BRCT domain (residues 1646-1859), which is important for DNA repair activity (PMID: 11573086, 14576433, 15133503, 25652403). While functional studies have not been performed to directly test the effect on BRCA1 protein function, this suggests that disruption of the C-terminal portion of the protein is functionally important. A different truncation (p.Tyr1853*) that lies downstream of this variant has been determined to be pathogenic (PMID: 21922593, 10811118, 11739404, 12400015, 7894493, Invitae). This suggests that variants that disrupt this region of the protein are likely to be causative of disease. For these reasons, this variant has been classified as Pathogenic.

Color Diagnostics, LLC DBA Color Health
Classification: Pathogenic for Hereditary cancer-predisposing syndrome. Last evaluated: 2021-03-30. Review status: criteria provided, single submitter. Criteria: ACMG Guidelines, 2015. Collection method: clinical testing. Allele origin: germline. Not counted in ClinVar's aggregate classification.
Comment: This variant alters 11 nucleotides in exon 23 in the BRCA1 gene, causing a frameshift and disruption to the BRCT domain that is important for phosphopeptide binding and DNA damage response (PMID: 25701377). This variant has been observed in at least 15 individuals and families affected with breast and ovarian cancer (PMID: 16455195, 22798144) and an individual affected with melanoma (PMID: 23910109). This is a suspected founder mutation in Asia with many case reports from Korea (PMID: 21497495, 29446198). This variant has not been identified in the general population by the Genome Aggregation Database (gnomAD). Based on the available evidence, this variant is classified as Pathogenic.

GeneDx
Classification: Pathogenic. Last evaluated: 2017-11-24. Review status: criteria provided, single submitter. Criteria: GeneDx Variant Classification (06012015). Collection method: clinical testing. Allele origin: germline. Affected: yes. Not counted in ClinVar's aggregate classification.
Comment: This combined deletion and insertion is denoted BRCA1 c.5496_5506del11insA at the cDNA level and p.Val1833SerfsX7 (V1833SfsX7) at the protein level. The surrounding sequence is CTGT[del11][insA]AGTG. The variant causes a frameshift, which changes a Valine to a Serine at codon 1833, and creates a premature stop codon at position 7 of the new reading frame. Due to the position of the variant, nonsense mediated decay is not expected to occur, but the variant might cause loss of normal protein function through protein truncation. The disrupted region at the end of the gene includes a portion of the BRCT2 domain and a region known to interact with multiple proteins (Paul 2014, UniProt). BRCA1 c.5496_5506del11insA has been observed in multiple breast and/or ovarian cancer families and has been reported as a possible Korean founder variant (Ahn 2007, Seong 2009, Han 2011, Jang 2012, Kim 2012, Kim 2017). Based on currently available information, we consider this variant to be pathogenic.

Consortium of Investigators of Modifiers of BRCA1/2 (CIMBA), c/o University of Cambridge
Classification: Pathogenic for Breast-ovarian cancer, familial, susceptibility to, 1. Last evaluated: 2015-10-02. Review status: criteria provided, single submitter. Criteria: CIMBA Mutation Classification guidelines May 2016. Collection method: clinical testing. Allele origin: germline. Not counted in ClinVar's aggregate classification.

Breast Cancer Information Core (BIC) (BRCA1)
Classification: Pathogenic for Breast-ovarian cancer, familial 1. Last evaluated: 2006-07-19. Review status: no assertion criteria provided. Collection method: clinical testing. Allele origin: germline. Affected: yes. Observed: 3 variant alleles. Not counted in ClinVar's aggregate classification.

Literature cited by the submitters: PubMed 16455195 (cited by Ambry Genetics and Quest Diagnostics Nichols Institute San Juan Capistrano); PubMed 22798144 (cited by Ambry Genetics and Labcorp Genetics (formerly Invitae), Labcorp); PubMed 23910109 (cited by Ambry Genetics and Quest Diagnostics Nichols Institute San Juan Capistrano); PubMed 24155753 (cited by Ambry Genetics); PubMed 32718143 (cited by Ambry Genetics); PubMed 34022715 (cited by Ambry Genetics); PubMed 35879854 (cited by Ambry Genetics); PubMed 34645131 (cited by Quest Diagnostics Nichols Institute San Juan Capistrano); PubMed 32455662 (cited by Quest Diagnostics Nichols Institute San Juan Capistrano); PubMed 30350268 (cited by Quest Diagnostics Nichols Institute San Juan Capistrano); PubMed 30309222 (cited by Quest Diagnostics Nichols Institute San Juan Capistrano); PubMed 30322717 (cited by Quest Diagnostics Nichols Institute San Juan Capistrano); PubMed 28111427 (cited by Quest Diagnostics Nichols Institute San Juan Capistrano); PubMed 28351343 (cited by Quest Diagnostics Nichols Institute San Juan Capistrano); PubMed 22217648 (cited by Labcorp Genetics (formerly Invitae), Labcorp); PubMed 11573086 (cited by Labcorp Genetics (formerly Invitae), Labcorp); PubMed 14576433 (cited by Labcorp Genetics (formerly Invitae), Labcorp); PubMed 15133503 (cited by Labcorp Genetics (formerly Invitae), Labcorp); PubMed 25652403 (cited by Labcorp Genetics (formerly Invitae), Labcorp); PubMed 21922593 (cited by Labcorp Genetics (formerly Invitae), Labcorp); PubMed 10811118 (cited by Labcorp Genetics (formerly Invitae), Labcorp); PubMed 11739404 (cited by Labcorp Genetics (formerly Invitae), Labcorp); PubMed 12400015 (cited by Labcorp Genetics (formerly Invitae), Labcorp); PubMed 7894493 (cited by Labcorp Genetics (formerly Invitae), Labcorp).